The following is an entry in ClinVar:

ClinVar aggregate classification (germline): Uncertain significance (1 of 4 stars; one submission).

Submission:

Laboratory for Molecular Medicine, Mass General Brigham Personalized Medicine
Classification: Uncertain significance. Last evaluated: 2016-07-13. Review status: criteria provided, single submitter. Criteria: LMM Criteria. Collection method: clinical testing. Allele origin: germline. Observed: 1 variant allele.
Comment: The p.Thr1401Asn variant in FBN1 has not been previously reported in individuals with pulmonary disease or in large population studies. Computational prediction tools and conservation analysis do not provide strong support for or against an impact to the protein. In summary, the clinical significance of the p.Thr1401As n variant is uncertain.

NM_000138.5(FBN1):c.4202C>A (p.Thr1401Asn)

Gene: FBN1 (fibrillin 1; minus strand). Cytogenetic location: 15q21.1.
Variant type: single nucleotide variant.
Coding change: c.4202C>A on transcript NM_000138.5 (MANE Select); coding-DNA position 4202, C replaced by A.
Protein change: p.Thr1401Asn; replaces threonine 1401 with asparagine.
Molecular consequence: missense variant.
Genome position (GRCh38, 1-based): chr15:48,474,263, G>T on the plus strand (C>A on the coding strand, the complement: FBN1 is on the minus strand). VCF-style: chr15-48474263-G-T. GRCh37 (hg19) VCF-style: chr15-48766460-G-T.
Other names: short protein forms T1401N.
Identifiers: ClinVar variation 505164 (VCV000505164.4), dbSNP rs1555397648, ClinGen allele CA392319918.
Genomic context (GRCh38, chr15:48,474,263, plus strand): 5'-TGCCTGGCTTCTCTGACTAGTGTTGACACAGTTGTTTCCAGCGTGAACATACCTGTACAA[G>T]TGAAGCCATCACCTGTGTATCCTTCCTTGCACAGACAGCGGTAAGATCCCATGGTATTCT-3'
Protein context (NP_000129.3, residues 1391-1411): CKEGYTGDGF[Thr1401Asn]CTDLDECSEN